The following is an entry in ClinVar:

NM_000059.4(BRCA2):c.3112T>C (p.Tyr1038His)

Gene: BRCA2 (BRCA2 DNA repair associated; plus strand). Cytogenetic location: 13q13.1.
Variant type: single nucleotide variant.
Coding change: c.3112T>C on transcript NM_000059.4 (MANE Select); coding-DNA position 3112, T replaced by C.
Protein change: p.Tyr1038His; replaces tyrosine 1038 with histidine.
Molecular consequence: missense variant.
Genome position (GRCh38, 1-based): chr13:32,337,467, T>C. VCF-style: chr13-32337467-T-C. GRCh37 (hg19) VCF-style: chr13-32911604-T-C.
Other names: short protein forms Y1038H.
Identifiers: ClinVar variation 409481 (VCV000409481.14), dbSNP rs1060502423, ClinGen allele CA16614131.
Genomic context (GRCh38, chr13:32,337,467, plus strand): 5'-AAGCTCTCTGAACATAACATTAAGAAGAGCAAAATGTTCTTCAAAGATATTGAAGAACAA[T>C]ATCCTACTAGTTTAGCTTGTGTTGAAATTGTAAATACCTTGGCATTAGATAATCAAAAGA-3'
Protein context (NP_000050.3, residues 1028-1048): KMFFKDIEEQ[Tyr1038His]PTSLACVEIV

ClinVar aggregate classification (germline): Conflicting classifications of pathogenicity. Review status: criteria provided, conflicting classifications (1 of 4 stars). 3 submissions from 3 submitters: Uncertain significance (2); Likely benign (1). Last evaluated 2024-07-09.

Conditions:
Hereditary breast ovarian cancer syndrome. Also called: Hereditary breast and ovarian cancer; Hereditary breast and/or ovarian cancer syndrome; BRCA1- and BRCA2-Associated Hereditary Breast and Ovarian Cancer; Hereditary breast and ovarian cancer syndrome; Hereditary breast and ovarian cancer syndrome (HBOC); Breast and ovarian cancer. Identifiers: Orphanet 145, MedGen C0677776, MeSH D061325, MONDO:0003582. Disease mechanism: loss of function.
Hereditary cancer-predisposing syndrome. Also called: Tumor predisposition; Hereditary Cancer Syndrome; Hereditary neoplastic syndrome; Neoplastic Syndromes, Hereditary. Identifiers: Orphanet 140162, MedGen C0027672, MeSH D009386, MONDO:0015356.

Allele frequency attached by ClinVar (database versions not stated): TOPMed below 0.00001.

Submissions (3):

Ambry Genetics
Classification: Uncertain significance for Hereditary cancer-predisposing syndrome. Last evaluated: 2024-07-09. Review status: criteria provided, single submitter. Criteria: Ambry Variant Classification Scheme 2023. Collection method: clinical testing. Allele origin: germline.
Comment: The p.Y1038H variant (also known as c.3112T>C), located in coding exon 10 of the BRCA2 gene, results from a T to C substitution at nucleotide position 3112. The tyrosine at codon 1038 is replaced by histidine, an amino acid with similar properties. This amino acid position is conserved. In addition, this alteration is predicted to be tolerated by in silico analysis. Based on the available evidence, the clinical significance of this variant remains unclear.

University of Washington Department of Laboratory Medicine, University of Washington
Classification: Likely benign for Hereditary cancer-predisposing syndrome. Last evaluated: 2023-03-23. Review status: criteria provided, single submitter. Criteria: Dines et al. (Genet Med. 2020). Collection method: curation. Allele origin: germline.
Comment: Missense variant in a coldspot region where missense variants are very unlikely to be pathogenic (PMID:31911673).

BRCA2 exon 11 coldspot. Reclassification based on statistical prior probability.

Labcorp Genetics (formerly Invitae), Labcorp
Classification: Uncertain significance for Hereditary breast ovarian cancer syndrome. Last evaluated: 2022-08-12. Review status: criteria provided, single submitter. Criteria: Invitae Variant Classification Sherloc (09022015). Collection method: clinical testing. Allele origin: germline.
Comment: This sequence change replaces tyrosine, which is neutral and polar, with histidine, which is basic and polar, at codon 1038 of the BRCA2 protein (p.Tyr1038His). This variant is not present in population databases (gnomAD no frequency). This variant has not been reported in the literature in individuals affected with BRCA2-related conditions. ClinVar contains an entry for this variant (Variation ID: 409481). Advanced modeling of protein sequence and biophysical properties (such as structural, functional, and spatial information, amino acid conservation, physicochemical variation, residue mobility, and thermodynamic stability) performed at Invitae indicates that this missense variant is not expected to disrupt BRCA2 protein function. In summary, the available evidence is currently insufficient to determine the role of this variant in disease. Therefore, it has been classified as a Variant of Uncertain Significance.